The following is an entry in ClinVar:

NM_000186.4(CFH):c.1153T>A (p.Cys385Ser)

Gene: CFH (complement factor H; plus strand). Cytogenetic location: 1q31.3.
Variant type: single nucleotide variant.
Coding change: c.1153T>A on transcript NM_000186.4 (MANE Select); coding-DNA position 1153, T replaced by A.
Protein change: p.Cys385Ser; replaces cysteine 385 with serine.
Molecular consequence: missense variant.
Genome position (GRCh38, 1-based): chr1:196,689,608, T>A. VCF-style: chr1-196689608-T-A. GRCh37 (hg19) VCF-style: chr1-196658738-T-A.
Other names: c.1153T>A, p.Cys385Ser (NM_001014975.3); short protein forms C385S.
Identifiers: ClinVar variation 4976847 (VCV004976847.1).
Genomic context (GRCh38, chr1:196,689,608, plus strand): 5'-TCAGGAAGTTACTGGGATCACATTCATTGCACACAAGATGGATGGTCGCCAGCAGTACCA[T>A]GCCTCAGTAAGTAAACCTCTGAACTGCTATATATATGTATAAAACTTTCAAAGATCGAAG-3'
Protein context (NP_000177.2, residues 375-395): TQDGWSPAVP[Cys385Ser]LRKCYFPYLE

ClinVar aggregate classification (germline): Uncertain significance (1 of 4 stars; one submission).

Conditions:
Age related macular degeneration 4. Identifiers: MedGen C1853147, MONDO:0012540, OMIM 610698.

Submission:

Genomenon, Inc
Classification: Uncertain significance for Age related macular degeneration 4. Last evaluated: 2026-09-17. Review status: criteria provided, single submitter. Criteria: Genomenon Sequence Variant Interpretation Standards - Updated. Collection method: curation. Allele origin: germline. Affected: yes.
Comment: CFH p.Cys385Ser (c.1153T>A) is a missense variant that changes the amino acid at codon 385 from cysteine to serine. This variant has been observed in at least one proband affected with age-related macular degeneration (PMID: 29686068). It is absent or not present at a significant frequency in gnomAD. In silico models predict that this variant is possibly or probably damaging. In conclusion, we classify CFH p.Cys385Ser (c.1153T>A) as a variant of uncertain significance.

Literature cited by the submitters: PubMed 29686068.